The following is an entry in ClinVar:

ClinVar aggregate classification (germline): Uncertain significance. Review status: criteria provided, multiple submitters, no conflicts (2 of 4 stars). 3 submissions from 3 submitters: Uncertain significance (3). Last evaluated 2025-12-10.

Conditions:
Primary immunodeficiency with natural-killer cell deficiency and adrenal insufficiency (IMD54). Also called: Natural killer cell and glucocorticoid deficiency with DNA repair defect; IMMUNODEFICIENCY 54. Identifiers: Orphanet 75391, MedGen C1864947, MONDO:0012383, OMIM 609981.

Allele frequency attached by ClinVar (database versions not stated): gnomAD exomes below 0.00001 and 0.00001; TOPMed 0.00001; gnomAD 0.00003.

Submissions (3):

Labcorp Genetics (formerly Invitae), Labcorp
Classification: Uncertain significance. Last evaluated: 2025-12-10. Review status: criteria provided, single submitter. Criteria: Invitae Variant Classification Sherloc (09022015). Collection method: clinical testing. Allele origin: germline.
Comment: This sequence change replaces tyrosine, which is neutral and polar, with cysteine, which is neutral and slightly polar, at codon 658 of the MCM4 protein (p.Tyr658Cys). This variant is present in population databases (rs771448184, gnomAD 0.004%). This variant has not been reported in the literature in individuals affected with MCM4-related conditions. ClinVar contains an entry for this variant (Variation ID: 910773). Invitae Evidence Modeling of protein sequence and biophysical properties (such as structural, functional, and spatial information, amino acid conservation, physicochemical variation, residue mobility, and thermodynamic stability) indicates that this missense variant is expected to disrupt MCM4 protein function with a positive predictive value of 80%. In summary, the available evidence is currently insufficient to determine the role of this variant in disease. Therefore, it has been classified as a Variant of Uncertain Significance.

Ambry Genetics
Classification: Uncertain significance. Last evaluated: 2022-09-28. Review status: criteria provided, single submitter. Criteria: Ambry Variant Classification Scheme 2023. Collection method: clinical testing. Allele origin: germline.

Illumina Laboratory Services, Illumina
Classification: Uncertain significance for Primary immunodeficiency with natural-killer cell deficiency and adrenal insufficiency. Last evaluated: 2018-01-12. Review status: criteria provided, single submitter. Criteria: ICSL Variant Classification Criteria 13 December 2019. Collection method: clinical testing. Allele origin: germline.

NM_182746.3(MCM4):c.1973A>G (p.Tyr658Cys)

Gene: MCM4 (minichromosome maintenance complex component 4; plus strand). Cytogenetic location: 8q11.21.
Variant type: single nucleotide variant.
Coding change: c.1973A>G on transcript NM_182746.3 (MANE Select); coding-DNA position 1973, A replaced by G.
Protein change: p.Tyr658Cys; replaces tyrosine 658 with cysteine.
Molecular consequence: missense variant.
Genome position (GRCh38, 1-based): chr8:47,972,901, A>G. VCF-style: chr8-47972901-A-G. GRCh37 (hg19) VCF-style: chr8-48885461-A-G.
Other names: c.1973A>G, p.Tyr658Cys (NM_005914.4); short protein forms Y658C.
Identifiers: ClinVar variation 910773 (VCV000910773.10), dbSNP rs771448184, ClinGen allele CA176158350.